The following is an entry in ClinVar:

NM_001352754.2(ARMC9):c.550G>A (p.Ala184Thr)

Gene: ARMC9 (armadillo repeat containing 9; plus strand). Cytogenetic location: 2q37.1.
Variant type: single nucleotide variant.
Coding change: c.550G>A on transcript NM_001352754.2 (MANE Select); coding-DNA position 550, G replaced by A.
Protein change: p.Ala184Thr; replaces alanine 184 with threonine.
Molecular consequence: missense variant. On other transcripts: non-coding transcript variant (1).
Genome position (GRCh38, 1-based): chr2:231,222,773, G>A. VCF-style: chr2-231222773-G-A. GRCh37 (hg19) VCF-style: chr2-232087486-G-A.
Other names: c.550G>A, p.Ala184Thr (NM_001271466.4, NM_001291656.2, NM_001352755.2 and 5 more transcripts); short protein forms A184T.
Identifiers: ClinVar variation 2096807 (VCV002096807.4), dbSNP rs753133975, ClinGen allele CA350947599.
Genomic context (GRCh38, chr2:231,222,773, plus strand): 5'-CCCTTTTTTCTTTAGGATTCCTGGACTCCAGAGTTAAAGTTGAAGTTGATAAAGTTTCTA[G>A]CTTTAATATCTAAAGCCAGCAACACGCCAAAGCTTTTAACAATATATGTATCCTTTTGAA-3'
Protein context (NP_001339683.2, residues 174-194): ELKLKLIKFL[Ala184Thr]LISKASNTPK

ClinVar aggregate classification (germline): Uncertain significance (1 of 4 stars; one submission).

Submission:

Labcorp Genetics (formerly Invitae), Labcorp
Classification: Uncertain significance. Last evaluated: 2022-02-11. Review status: criteria provided, single submitter. Criteria: Invitae Variant Classification Sherloc (09022015). Collection method: clinical testing. Allele origin: germline.
Comment: In summary, the available evidence is currently insufficient to determine the role of this variant in disease. Therefore, it has been classified as a Variant of Uncertain Significance. Experimental studies and prediction algorithms are not available or were not evaluated, and the functional significance of this variant is currently unknown. This variant has not been reported in the literature in individuals affected with ARMC9-related conditions. This variant is not present in population databases (gnomAD no frequency). This sequence change replaces alanine, which is neutral and non-polar, with threonine, which is neutral and polar, at codon 184 of the ARMC9 protein (p.Ala184Thr).